The following is an entry in ClinVar:

NM_015122.3(FCHO1):c.804C>T (p.Phe268=)

Gene: FCHO1 (FCH and mu domain containing endocytic adaptor 1; plus strand). Cytogenetic location: 19p13.11.
Variant type: single nucleotide variant.
Coding change: c.804C>T on transcript NM_015122.3 (MANE Select); coding-DNA position 804, C replaced by T.
Protein change: p.Phe268=; no amino-acid change (phenylalanine 268 retained).
Molecular consequence: synonymous variant. On other transcripts: non-coding transcript variant (36), intron variant (1).
Genome position (GRCh38, 1-based): chr19:17,774,252, C>T. VCF-style: chr19-17774252-C-T. GRCh37 (hg19) VCF-style: chr19-17885061-C-T.
Other names: c.804C>T, p.Phe268= (NM_001384376.1, NM_001384377.1, NM_001384378.1 and 25 more transcripts); c.654C>T, p.Phe218= (NM_001384384.1, NM_001384385.1, NM_001384386.1 and 3 more transcripts); c.765C>T, p.Phe255= (NM_001384388.1, NM_001384389.1, NM_001384405.1); c.729C>T, p.Phe243= (NM_001384390.1); c.791-142C>T (NM_001384403.1); c.804C>T (NM_001161357.1).
Identifiers: ClinVar variation 1114433 (VCV001114433.12), dbSNP rs144767216, ClinGen allele CA9300239.

ClinVar aggregate classification (germline): Likely benign. Review status: criteria provided, multiple submitters, no conflicts (2 of 4 stars). 3 submissions from 3 submitters: Likely benign (2). 1 of the submissions does not count toward it. Last evaluated 2026-01-24.

Conditions:
FCHO1-related disorder. Also called: FCHO1-related condition.

Allele frequency attached by ClinVar (database versions not stated): 1000 Genomes Project 0.00060; 1000 Genomes Project 30x 0.00062; ESP Exome Variant Server 0.00062.

Submissions (3):

Labcorp Genetics (formerly Invitae), Labcorp
Classification: Likely benign. Last evaluated: 2026-01-24. Review status: criteria provided, single submitter. Criteria: Invitae Variant Classification Sherloc (09022015). Collection method: clinical testing. Allele origin: germline.

Blueprint Genetics
Classification: Likely benign. Last evaluated: 2024-11-15. Review status: criteria provided, single submitter. Criteria: ACMG Guidelines, 2015. Collection method: clinical testing. Allele origin: germline.

PreventionGenetics, part of Exact Sciences
Classification: Likely benign for FCHO1-related condition. Last evaluated: 2023-10-11. Review status: no assertion criteria provided. Collection method: clinical testing. Allele origin: germline. Not counted in ClinVar's aggregate classification.
Comment: This variant is classified as likely benign based on ACMG/AMP sequence variant interpretation guidelines (Richards et al. 2015 PMID: 25741868, with internal and published modifications).